The following is an entry in ClinVar:

NM_000548.5(TSC2):c.2319A>G (p.Leu773=)

Gene: TSC2 (TSC complex subunit 2; plus strand). Cytogenetic location: 16p13.3.
Variant type: single nucleotide variant.
Coding change: c.2319A>G on transcript NM_000548.5 (MANE Select); coding-DNA position 2319, A replaced by G.
Protein change: p.Leu773=; no amino-acid change (leucine 773 retained).
Molecular consequence: synonymous variant.
Genome position (GRCh38, 1-based): chr16:2,072,947, A>G. VCF-style: chr16-2072947-A-G. GRCh37 (hg19) VCF-style: chr16-2122948-A-G.
Other names: c.2319A>G, p.Leu773= (NM_001077183.3, NM_001114382.3, NM_001363528.2 and 3 more transcripts); c.2208A>G, p.Leu736= (NM_001318827.2); c.2172A>G, p.Leu724= (NM_001318829.2); c.1719A>G, p.Leu573= (NM_001318831.2); c.2352A>G, p.Leu784= (NM_001318832.2).
Identifiers: ClinVar variation 821088 (VCV000821088.10), dbSNP rs1359991984, ClinGen allele CA492952696.

ClinVar aggregate classification (germline): Benign/Likely benign. Review status: criteria provided, multiple submitters, no conflicts (2 of 4 stars). 3 submissions from 3 submitters: Benign (1); Likely benign (2). Last evaluated 2025-05-19.

Conditions:
Hereditary cancer-predisposing syndrome. Also called: Hereditary Cancer Syndrome; Neoplastic Syndromes, Hereditary; Hereditary neoplastic syndrome; Tumor predisposition. Identifiers: Orphanet 140162, MedGen C0027672, MeSH D009386, MONDO:0015356.
Tuberous sclerosis 2 (TSC2). Identifiers: Orphanet 805, MedGen C1860707, MONDO:0013199, OMIM 613254.

Submissions (3):

Myriad Genetics, Inc.
Classification: Benign for Tuberous sclerosis 2. Last evaluated: 2025-05-19. Review status: criteria provided, single submitter. Criteria: Myriad Autosomal Dominant, Autosomal Recessive and X-Linked Classification Criteria (2023). Collection method: clinical testing. Allele origin: unknown.
Comment: This variant is considered benign. This variant is a silent/synonymous amino acid change and it is not expected to impact splicing.

Labcorp Genetics (formerly Invitae), Labcorp
Classification: Likely benign for Tuberous sclerosis 2. Last evaluated: 2024-11-27. Review status: criteria provided, single submitter. Criteria: Invitae Variant Classification Sherloc (09022015). Collection method: clinical testing. Allele origin: germline.

Ambry Genetics
Classification: Likely benign for Hereditary cancer-predisposing syndrome. Last evaluated: 2019-10-31. Review status: criteria provided, single submitter. Criteria: Ambry Variant Classification Scheme 2023. Collection method: clinical testing. Allele origin: germline.